The following is an entry in ClinVar:

ClinVar aggregate classification (germline): Uncertain significance (1 of 4 stars; one submission).

Submission:

Labcorp Genetics (formerly Invitae), Labcorp
Classification: Uncertain significance. Last evaluated: 2026-01-14. Review status: criteria provided, single submitter. Criteria: Invitae Variant Classification Sherloc (09022015). Collection method: clinical testing. Allele origin: germline.
Comment: This sequence change replaces serine, which is neutral and polar, with threonine, which is neutral and polar, at codon 584 of the MYLK3 protein (p.Ser584Thr). This variant is not present in population databases (gnomAD no frequency). This variant has not been reported in the literature in individuals affected with MYLK3-related conditions. An algorithm developed to predict the effect of missense changes on protein structure and function (PolyPhen-2) suggests that this variant is likely to be disruptive. In summary, the available evidence is currently insufficient to determine the role of this variant in disease. Therefore, it has been classified as a Variant of Uncertain Significance.

NM_182493.3(MYLK3):c.1751G>C (p.Ser584Thr)

Gene: MYLK3 (myosin light chain kinase 3; minus strand). Cytogenetic location: 16q11.2.
Variant type: single nucleotide variant.
Coding change: c.1751G>C on transcript NM_182493.3 (MANE Select); coding-DNA position 1751, G replaced by C.
Protein change: p.Ser584Thr; replaces serine 584 with threonine.
Molecular consequence: missense variant.
Genome position (GRCh38, 1-based): chr16:46,729,045, C>G on the plus strand (G>C on the coding strand, the complement: MYLK3 is on the minus strand). VCF-style: chr16-46729045-C-G. GRCh37 (hg19) VCF-style: chr16-46762957-C-G.
Other names: c.728G>C, p.Ser243Thr (NM_001308301.1); short protein forms S243T, S584T.
Identifiers: ClinVar variation 4735420 (VCV004735420.1).